The following is an entry in ClinVar:

NM_153614.4(DNAJB13):c.68C>T (p.Ala23Val)

Gene: DNAJB13 (DnaJ heat shock protein family (Hsp40) member B13; plus strand). Cytogenetic location: 11q13.4.
Variant type: single nucleotide variant.
Coding change: c.68C>T on transcript NM_153614.4 (MANE Select); coding-DNA position 68, C replaced by T.
Protein change: p.Ala23Val; replaces alanine 23 with valine.
Molecular consequence: missense variant. On other transcripts: 5 prime UTR variant (1).
Genome position (GRCh38, 1-based): chr11:73,951,137, C>T. VCF-style: chr11-73951137-C-T. GRCh37 (hg19) VCF-style: chr11-73662182-C-T.
Other names: c.-238C>T (NM_001377263.1); short protein forms A23V.
Identifiers: ClinVar variation 2196057 (VCV002196057.1), dbSNP rs185837848, ClinGen allele CA6180564.

ClinVar aggregate classification (germline): Uncertain significance (1 of 4 stars; one submission).

Allele frequency attached by ClinVar (database versions not stated): gnomAD exomes 0.00003; TOPMed 0.00004; 1000 Genomes Project 30x 0.00031.
gnomAD v4.1: 48 of 1,614,050 alleles (0.003%); highest among the groups gnomAD compares: Middle Eastern, 0.23%; no homozygotes.

Submission:

Labcorp Genetics (formerly Invitae), Labcorp
Classification: Uncertain significance. Last evaluated: 2022-01-28. Review status: criteria provided, single submitter. Criteria: Invitae Variant Classification Sherloc (09022015). Collection method: clinical testing. Allele origin: germline.
Comment: This sequence change replaces alanine, which is neutral and non-polar, with valine, which is neutral and non-polar, at codon 23 of the DNAJB13 protein (p.Ala23Val). This variant is present in population databases (rs185837848, gnomAD 0.007%). This variant has not been reported in the literature in individuals affected with DNAJB13-related conditions. Algorithms developed to predict the effect of missense changes on protein structure and function are either unavailable or do not agree on the potential impact of this missense change (SIFT: "Deleterious"; PolyPhen-2: "Probably Damaging"; Align-GVGD: "Class C0"). Algorithms developed to predict the effect of sequence changes on RNA splicing suggest that this variant may create or strengthen a splice site. In summary, the available evidence is currently insufficient to determine the role of this variant in disease. Therefore, it has been classified as a Variant of Uncertain Significance.